The following is an entry in ClinVar:

ClinVar aggregate classification (germline): Uncertain significance. Review status: criteria provided, multiple submitters, no conflicts (2 of 4 stars). 2 submissions from 2 submitters: Uncertain significance (2). Last evaluated 2024-05-29.

Conditions:
Hereditary cancer-predisposing syndrome. Also called: Neoplastic Syndromes, Hereditary; Hereditary Cancer Syndrome; Hereditary neoplastic syndrome; Tumor predisposition. Identifiers: Orphanet 140162, MedGen C0027672, MeSH D009386, MONDO:0015356.
Tuberous sclerosis 2 (TSC2). Identifiers: Orphanet 805, MedGen C1860707, MONDO:0013199, OMIM 613254.

Allele frequency attached by ClinVar (database versions not stated): gnomAD exomes below 0.00001; gnomAD 0.00001.

Submissions (2):

Ambry Genetics
Classification: Uncertain significance for Hereditary cancer-predisposing syndrome. Last evaluated: 2024-05-29. Review status: criteria provided, single submitter. Criteria: Ambry Variant Classification Scheme 2023. Collection method: clinical testing. Allele origin: germline.
Comment: The c.3835dupT variant, located in coding exon 31 of the TSC2 gene, results from a duplication of T at nucleotide position 3835, causing a translational frameshift with a predicted alternate stop codon (p.Y1279Lfs*43). This alteration is expected to result in protein truncation or nonsense-mediated mRNA decay. However, this variant occurs in an exon that is absent in biologically relevant transcripts (Ekong R et al. Hum. Mutat. 2016 Apr; 37:362-70). Since supporting evidence is limited at this time, the clinical significance of this alteration remains unclear.

Labcorp Genetics (formerly Invitae), Labcorp
Classification: Uncertain significance for Tuberous sclerosis 2. Last evaluated: 2023-12-08. Review status: criteria provided, single submitter. Criteria: Invitae Variant Classification Sherloc (09022015). Collection method: clinical testing. Allele origin: germline.
Comment: This sequence change creates a premature translational stop signal (p.Tyr1279Leufs*43) in the TSC2 gene. Loss-of-function variants in TSC2 are known to be pathogenic (PMID: 10205261, 17304050). However, tissue-specific alternative splicing of TSC2 gene results in a functional isoform lacking in-frame exon 32 (also known as exon 31, PMID: 26703369). For this reason the clinical significance of loss of function variants in exon 32 is currently uncertain. This variant is not present in population databases (gnomAD no frequency). This variant has not been reported in the literature in individuals affected with TSC2-related conditions. ClinVar contains an entry for this variant (Variation ID: 2196436). In summary, the available evidence is currently insufficient to determine the role of this variant in disease. Therefore, it has been classified as a Variant of Uncertain Significance.

Literature cited by the submitters: PubMed 10205261 (cited by Labcorp Genetics (formerly Invitae), Labcorp); PubMed 17304050 (cited by Labcorp Genetics (formerly Invitae), Labcorp).

NM_000548.5(TSC2):c.3835dup (p.Tyr1279fs)

Gene: TSC2 (TSC complex subunit 2; plus strand). Cytogenetic location: 16p13.3.
Variant type: Duplication.
Coding change: c.3835dup on transcript NM_000548.5 (MANE Select); coding-DNA position 3835, one base duplicated (T; older notation c.3835dupT).
Protein change: p.Tyr1279fs; shifts the reading frame from tyrosine 1279.
Molecular consequence: frameshift variant. On other transcripts: intron variant (6).
Genome position (GRCh38, 1-based): chr16:2,082,456, T duplicated. VCF-style (leftmost placement, unchanged base first): chr16-2082455-G-GT. GRCh37 (hg19) VCF-style: chr16-2132456-G-GT.
Other names: c.3835dupT (NM_000548.3); c.3103dup, p.Tyr1035fs (NM_001318831.2); c.3703dup, p.Tyr1235fs (NM_001370404.1); c.3706dup, p.Tyr1236fs (NM_001370405.1, NM_021055.3); c.3832dup, p.Tyr1278Leufs (NM_001406663.1); c.3703dup, p.Tyr1235Leufs (NM_001406665.1); c.3235dup, p.Tyr1079Leufs (NM_001406680.1); c.2362dup, p.Tyr788Leufs (NM_001406690.1); and 7 more; short protein forms Y1236fs, Y1035fs, Y1279fs, Y1235fs.
Identifiers: ClinVar variation 2196436 (VCV002196436.5), dbSNP rs2090261149, ClinGen allele CA973772782.
Genomic context (GRCh38, chr16:2,082,455, plus strand): 5'-CTCCTCCTGCTGACGTGGCCGCACACGGCCTTCCCTTGCAGTGGCCTCTTTCTCCTCCCT[G>GT]TACCAGTCCAGCTGCCAAGGACAGCTGCACAGGAGCGTTTCCTGGGCAGGTATCGCCTCT-3'